The following is an entry in ClinVar:

ClinVar aggregate classification (germline): Uncertain significance (1 of 4 stars; one submission).

Conditions:
Early-infantile DEE. Also called: Early infantile epileptic encephalopathy with suppression bursts; Early infantile epileptic encephalopathy; Ohtahara syndrome. Identifiers: Orphanet 1934, MedGen C0393706, MONDO:0800491.

Allele frequency attached by ClinVar (database versions not stated): ExAC 0.00001; gnomAD 0.00001; gnomAD exomes 0.00001; TOPMed 0.00002; ESP Exome Variant Server 0.00008.
gnomAD v4.1: 5 of 1,613,566 alleles (0.00031%); highest among the groups gnomAD compares: African/African-American, 0.0067%; no homozygotes.

Submission:

Labcorp Genetics (formerly Invitae), Labcorp
Classification: Uncertain significance for Early-infantile DEE. Last evaluated: 2025-10-27. Review status: criteria provided, single submitter. Criteria: Invitae Variant Classification Sherloc (09022015). Collection method: clinical testing. Allele origin: germline.
Comment: This sequence change replaces aspartic acid, which is acidic and polar, with glycine, which is neutral and non-polar, at codon 301 of the SCN8A protein (p.Asp301Gly). This variant is present in population databases (rs368726668, gnomAD 0.02%). This variant has not been reported in the literature in individuals affected with SCN8A-related conditions. ClinVar contains an entry for this variant (Variation ID: 1025733). Invitae Evidence Modeling of protein sequence and biophysical properties (such as structural, functional, and spatial information, amino acid conservation, physicochemical variation, residue mobility, and thermodynamic stability) indicates that this missense variant is not expected to disrupt SCN8A protein function with a negative predictive value of 95%. In summary, the available evidence is currently insufficient to determine the role of this variant in disease. Therefore, it has been classified as a Variant of Uncertain Significance.

NM_001330260.2(SCN8A):c.902A>G (p.Asp301Gly)

Gene: SCN8A (sodium voltage-gated channel alpha subunit 8; plus strand). Cytogenetic location: 12q13.13.
Variant type: single nucleotide variant.
Coding change: c.902A>G on transcript NM_001330260.2 (MANE Select); coding-DNA position 902, A replaced by G.
Protein change: p.Asp301Gly; replaces aspartic acid 301 with glycine.
Molecular consequence: missense variant.
Genome position (GRCh38, 1-based): chr12:51,699,765, A>G. VCF-style: chr12-51699765-A-G. GRCh37 (hg19) VCF-style: chr12-52093549-A-G.
Other names: c.902A>G, p.Asp301Gly (NM_001177984.3, NM_001369788.1, NM_014191.4); short protein forms D301G.
Identifiers: ClinVar variation 1025733 (VCV001025733.9), dbSNP rs368726668, ClinGen allele CA6571164.